The following is an entry in ClinVar:

ClinVar aggregate classification (germline): Uncertain significance (1 of 4 stars; one submission).

Conditions:
Intellectual developmental disorder, autosomal dominant 43. Also called: Intellectual disability, autosomal dominant 43. Identifiers: MedGen C4707429, MONDO:0014858, OMIM 616977.

Allele frequency attached by ClinVar (database versions not stated): gnomAD exomes below 0.00001.
gnomAD v4.1: 1 of 1,614,018 alleles (0.000062%); highest among the groups gnomAD compares: Non-Finnish European, 0.000085%; no homozygotes.

Submission:

Institute of Human Genetics, University of Leipzig Medical Center
Classification: Uncertain significance for Intellectual developmental disorder, autosomal dominant 43. Last evaluated: 2021-11-01. Review status: criteria provided, single submitter. Criteria: ACMG Guidelines, 2015. Collection method: clinical testing. Allele origin: de novo. Inheritance: Autosomal dominant inheritance. Affected: yes.
Comment: Criteria applied: PS2_MOD, PM2_SUP

NM_006734.4(HIVEP2):c.7072C>T (p.His2358Tyr)

Gene: HIVEP2 (HIVEP zinc finger 2; minus strand). Cytogenetic location: 6q24.2.
Variant type: single nucleotide variant.
Coding change: c.7072C>T on transcript NM_006734.4 (MANE Select); coding-DNA position 7072, C replaced by T.
Protein change: p.His2358Tyr; replaces histidine 2358 with tyrosine.
Molecular consequence: missense variant.
Genome position (GRCh38, 1-based): chr6:142,753,376, G>A on the plus strand (C>T on the coding strand, the complement: HIVEP2 is on the minus strand). VCF-style: chr6-142753376-G-A. GRCh37 (hg19) VCF-style: chr6-143074513-G-A.
Other names: short protein forms H2358Y.
Identifiers: ClinVar variation 1325810 (VCV001325810.3), dbSNP rs1774972546, ClinGen allele CA365941129.